The following is an entry in ClinVar:

NM_001007237.3(IGSF3):c.2694C>T (p.Pro898=)

Gene: IGSF3 (immunoglobulin superfamily member 3; minus strand). Cytogenetic location: 1p13.1.
Variant type: single nucleotide variant.
Coding change: c.2694C>T on transcript NM_001007237.3 (MANE Select); coding-DNA position 2694, C replaced by T.
Protein change: p.Pro898=; no amino-acid change (proline 898 retained).
Molecular consequence: synonymous variant.
Genome position (GRCh38, 1-based): chr1:116,584,799, G>A on the plus strand (C>T on the coding strand, the complement: IGSF3 is on the minus strand). VCF-style: chr1-116584799-G-A. GRCh37 (hg19) VCF-style: chr1-117127421-G-A.
Other names: c.2754C>T, p.Pro918= (NM_001542.4).
Identifiers: ClinVar variation 3053000 (VCV003053000.2), dbSNP rs149962221, ClinGen allele CA1026201.

ClinVar aggregate classification (germline): Likely benign (0 of 4 stars; one submission).

Conditions:
IGSF3-related disorder. Also called: IGSF3-related condition.

Allele frequency attached by ClinVar (database versions not stated): ExAC 0.00031; ESP Exome Variant Server 0.00046; 1000 Genomes Project 30x 0.00062; 1000 Genomes Project 0.00080.
gnomAD v4.1: 363 of 1,614,204 alleles (0.022%); highest among the groups gnomAD compares: African/African-American, 0.27%; 1 homozygote.

Submission:

PreventionGenetics, part of Exact Sciences
Classification: Likely benign for IGSF3-related condition. Last evaluated: 2019-09-04. Review status: no assertion criteria provided. Collection method: clinical testing. Allele origin: germline.
Comment: This variant is classified as likely benign based on ACMG/AMP sequence variant interpretation guidelines (Richards et al. 2015 PMID: 25741868, with internal and published modifications).